The following is an entry in ClinVar:

ClinVar aggregate classification (germline): Uncertain significance. Review status: criteria provided, multiple submitters, no conflicts (2 of 4 stars). 4 submissions from 4 submitters: Uncertain significance (3). 1 of the submissions does not count toward it. Last evaluated 2024-08-12.

Conditions:
ACO2-related disorder. Also called: ACO2-Related Disorders.

Allele frequency attached by ClinVar (database versions not stated): gnomAD exomes below 0.00001.

Submissions (4):

GeneDx
Classification: Uncertain significance. Last evaluated: 2024-08-12. Review status: criteria provided, single submitter. Criteria: GeneDx Variant Classification Process June 2021. Collection method: clinical testing. Allele origin: germline. Affected: yes.
Comment: Not observed at significant frequency in large population cohorts (gnomAD); In silico analysis supports that this missense variant has a deleterious effect on protein structure/function; Has not been previously published as pathogenic or benign to our knowledge

Labcorp Genetics (formerly Invitae), Labcorp
Classification: Uncertain significance. Last evaluated: 2024-08-01. Review status: criteria provided, single submitter. Criteria: Invitae Variant Classification Sherloc (09022015). Collection method: clinical testing. Allele origin: germline.
Comment: This sequence change replaces histidine, which is basic and polar, with arginine, which is basic and polar, at codon 174 of the ACO2 protein (p.His174Arg). This variant is present in population databases (no rsID available, gnomAD 0.0009%). This variant has not been reported in the literature in individuals affected with ACO2-related conditions. ClinVar contains an entry for this variant (Variation ID: 1482853). Advanced modeling of protein sequence and biophysical properties (such as structural, functional, and spatial information, amino acid conservation, physicochemical variation, residue mobility, and thermodynamic stability) performed at Invitae indicates that this missense variant is expected to disrupt ACO2 protein function with a positive predictive value of 80%. In summary, the available evidence is currently insufficient to determine the role of this variant in disease. Therefore, it has been classified as a Variant of Uncertain Significance.

Blueprint Genetics
Classification: Uncertain significance. Last evaluated: 2022-02-21. Review status: criteria provided, single submitter. Criteria: ACMG Guidelines, 2015. Collection method: clinical testing. Allele origin: germline.

PreventionGenetics, part of Exact Sciences
Classification: Uncertain significance for ACO2-related condition. Last evaluated: 2024-03-05. Review status: no assertion criteria provided. Collection method: clinical testing. Allele origin: germline. Not counted in ClinVar's aggregate classification.
Comment: The ACO2 c.521A>G variant is predicted to result in the amino acid substitution p.His174Arg. To our knowledge, this variant has not been reported in the literature. This variant is reported in 0.00091% of alleles in individuals of European (Non-Finnish) descent in gnomAD. At this time, the clinical significance of this variant is uncertain due to the absence of conclusive functional and genetic evidence.

NM_001098.3(ACO2):c.521A>G (p.His174Arg)

Gene: ACO2 (aconitase 2; plus strand). Cytogenetic location: 22q13.2.
Variant type: single nucleotide variant.
Coding change: c.521A>G on transcript NM_001098.3 (MANE Select); coding-DNA position 521, A replaced by G.
Protein change: p.His174Arg; replaces histidine 174 with arginine.
Molecular consequence: missense variant.
Genome position (GRCh38, 1-based): chr22:41,511,964, A>G. VCF-style: chr22-41511964-A-G. GRCh37 (hg19) VCF-style: chr22-41907968-A-G.
Other names: short protein forms H174R.
Identifiers: ClinVar variation 1482853 (VCV001482853.12), dbSNP rs1298087883, ClinGen allele CA411716170.